The following is an entry in ClinVar:

ClinVar aggregate classification (germline): Uncertain significance (1 of 4 stars; one submission).

Conditions:
Primary ciliary dyskinesia. Also called: Ciliary dyskinesia. Identifiers: Orphanet 244, MedGen C0008780, MONDO:0016575, HP:0012265.

Allele frequency attached by ClinVar (database versions not stated): gnomAD exomes below 0.00001; gnomAD 0.00001; TOPMed 0.00001.

Submission:

Labcorp Genetics (formerly Invitae), Labcorp
Classification: Uncertain significance for Primary ciliary dyskinesia. Last evaluated: 2024-10-14. Review status: criteria provided, single submitter. Criteria: Invitae Variant Classification Sherloc (09022015). Collection method: clinical testing. Allele origin: germline.
Comment: This sequence change replaces histidine, which is basic and polar, with tyrosine, which is neutral and polar, at codon 400 of the DNAAF2 protein (p.His400Tyr). This variant is present in population databases (no rsID available, gnomAD 0.002%). This variant has not been reported in the literature in individuals affected with DNAAF2-related conditions. ClinVar contains an entry for this variant (Variation ID: 2138955). Invitae Evidence Modeling of protein sequence and biophysical properties (such as structural, functional, and spatial information, amino acid conservation, physicochemical variation, residue mobility, and thermodynamic stability) indicates that this missense variant is not expected to disrupt DNAAF2 protein function with a negative predictive value of 80%. In summary, the available evidence is currently insufficient to determine the role of this variant in disease. Therefore, it has been classified as a Variant of Uncertain Significance.

NM_018139.3(DNAAF2):c.1198C>T (p.His400Tyr)

Genes: DNAAF2 (dynein axonemal assembly factor 2; minus strand), LOC130055542 (ATAC-STARR-seq lymphoblastoid silent region 5699; plus strand). Cytogenetic location: 14q21.3.
Variant type: single nucleotide variant.
Coding change: c.1198C>T on transcript NM_018139.3 (MANE Select); coding-DNA position 1198, C replaced by T.
Protein change: p.His400Tyr; replaces histidine 400 with tyrosine.
Molecular consequence: missense variant. On other transcripts: 5 prime UTR variant (1).
Genome position (GRCh38, 1-based): chr14:49,633,952, G>A on the plus strand (C>T on the coding strand, the complement: DNAAF2 is on the minus strand). VCF-style: chr14-49633952-G-A. GRCh37 (hg19) VCF-style: chr14-50100670-G-A.
Other names: c.1198C>T, p.His400Tyr (NM_001083908.2); c.-674C>T (NM_001378453.1); short protein forms H400Y.
Identifiers: ClinVar variation 2138955 (VCV002138955.4), dbSNP rs1156840227, ClinGen allele CA389629097.